The following is an entry in ClinVar:

NM_003718.5(CDK13):c.184G>A (p.Ala62Thr)

Gene: CDK13 (cyclin dependent kinase 13; plus strand). Cytogenetic location: 7p14.1.
Variant type: single nucleotide variant.
Coding change: c.184G>A on transcript NM_003718.5 (MANE Select); coding-DNA position 184, G replaced by A.
Protein change: p.Ala62Thr; replaces alanine 62 with threonine.
Molecular consequence: missense variant.
Genome position (GRCh38, 1-based): chr7:39,950,825, G>A. VCF-style: chr7-39950825-G-A. GRCh37 (hg19) VCF-style: chr7-39990424-G-A.
Other names: c.184G>A, p.Ala62Thr (NM_031267.4); short protein forms A62T.
Identifiers: ClinVar variation 3233654 (VCV003233654.2), dbSNP rs1787135051, ClinGen allele CA367308848.

ClinVar aggregate classification (germline): Uncertain significance (1 of 4 stars; one submission).

Allele frequency attached by ClinVar (database versions not stated): gnomAD 0.00001.

Submission:

Women's Health and Genetics/Laboratory Corporation of America, LabCorp
Classification: Uncertain significance. Last evaluated: 2024-03-05. Review status: criteria provided, single submitter. Criteria: LabCorp Variant Classification Summary - May 2015. Collection method: clinical testing. Allele origin: germline.
Comment: Variant summary: CDK13 c.184G>A (p.Ala62Thr) results in a non-conservative amino acid change in the encoded protein sequence. Three of four in-silico tools predict a benign effect of the variant on protein function. The variant was absent in 31306 control chromosomes. The available data on variant occurrences in the general population are insufficient to allow any conclusion about variant significance. To our knowledge, no occurrence of c.184G>A in individuals affected with Congenital Heart Defects, Dysmorphic Facial Features, And Intellectual Developmental Disorder and no experimental evidence demonstrating its impact on protein function have been reported. No submitters have cited clinical-significance assessments for this variant to ClinVar. Based on the evidence outlined above, the variant was classified as uncertain significance.